The following is an entry in ClinVar:

ClinVar aggregate classification (germline): Uncertain significance. Review status: criteria provided, multiple submitters, no conflicts (2 of 4 stars). 3 submissions from 3 submitters: Uncertain significance (3). Last evaluated 2025-11-03.

Conditions:
DICER1-related tumor predisposition. Also called: DICER1 syndrome; DICER1-related pleuropulmonary blastoma cancer predisposition syndrome. Identifiers: Orphanet 284343, MedGen C3839822, MONDO:0100216.
Hereditary cancer-predisposing syndrome. Also called: Hereditary neoplastic syndrome; Neoplastic Syndromes, Hereditary; Tumor predisposition; Hereditary Cancer Syndrome. Identifiers: Orphanet 140162, MedGen C0027672, MeSH D009386, MONDO:0015356.

Submissions (3):

Labcorp Genetics (formerly Invitae), Labcorp
Classification: Uncertain significance for DICER1-related tumor predisposition. Last evaluated: 2025-11-03. Review status: criteria provided, single submitter. Criteria: Invitae Variant Classification Sherloc (09022015). Collection method: clinical testing. Allele origin: germline.
Comment: This sequence change replaces leucine, which is neutral and non-polar, with serine, which is neutral and polar, at codon 1704 of the DICER1 protein (p.Leu1704Ser). This variant is not present in population databases (gnomAD no frequency). This variant has not been reported in the literature in individuals affected with DICER1-related conditions. ClinVar contains an entry for this variant (Variation ID: 1022076). Invitae Evidence Modeling of protein sequence and biophysical properties (such as structural, functional, and spatial information, amino acid conservation, physicochemical variation, residue mobility, and thermodynamic stability) has been performed for this missense variant. However, the output from this modeling did not meet the statistical confidence thresholds required to predict the impact of this variant on DICER1 protein function. In summary, the available evidence is currently insufficient to determine the role of this variant in disease. Therefore, it has been classified as a Variant of Uncertain Significance.

GeneDx
Classification: Uncertain significance. Last evaluated: 2024-08-20. Review status: criteria provided, single submitter. Criteria: GeneDx Variant Classification Process June 2021. Collection method: clinical testing. Allele origin: germline. Affected: yes.
Comment: Not observed at significant frequency in large population cohorts (gnomAD); In silico analysis supports that this missense variant has a deleterious effect on protein structure/function; Has not been previously published as pathogenic or benign to our knowledge

Ambry Genetics
Classification: Uncertain significance for Hereditary cancer-predisposing syndrome. Last evaluated: 2022-07-28. Review status: criteria provided, single submitter. Criteria: Ambry Variant Classification Scheme 2023. Collection method: clinical testing. Allele origin: germline.
Comment: The p.L1704S variant (also known as c.5111T>C), located in coding exon 23 of the DICER1 gene, results from a T to C substitution at nucleotide position 5111. The leucine at codon 1704 is replaced by serine, an amino acid with dissimilar properties. This amino acid position is highly conserved in available vertebrate species. In addition, this alteration is predicted to be deleterious by in silico analysis. Since supporting evidence is limited at this time, the clinical significance of this alteration remains unclear.

NM_177438.3(DICER1):c.5111T>C (p.Leu1704Ser)

Gene: DICER1 (dicer 1, ribonuclease III; minus strand). Cytogenetic location: 14q32.13.
Variant type: single nucleotide variant.
Coding change: c.5111T>C on transcript NM_177438.3 (MANE Select); coding-DNA position 5111, T replaced by C.
Protein change: p.Leu1704Ser; replaces leucine 1704 with serine.
Molecular consequence: missense variant.
Genome position (GRCh38, 1-based): chr14:95,094,141, A>G on the plus strand (T>C on the coding strand, the complement: DICER1 is on the minus strand). VCF-style: chr14-95094141-A-G. GRCh37 (hg19) VCF-style: chr14-95560478-A-G.
Other names: c.5111T>C, p.Leu1704Ser (NM_001195573.1, NM_001271282.3, NM_001291628.2 and 1 more transcripts); short protein forms L1704S.
Identifiers: ClinVar variation 1022076 (VCV001022076.13), dbSNP rs1890102018, ClinGen allele CA390865425.